The following is an entry in ClinVar:

NM_001042424.3(NSD2):c.3584C>T (p.Ala1195Val)

Gene: NSD2 (nuclear receptor binding SET domain protein 2; plus strand). Cytogenetic location: 4p16.3.
Variant type: single nucleotide variant.
Coding change: c.3584C>T on transcript NM_001042424.3 (MANE Select); coding-DNA position 3584, C replaced by T.
Protein change: p.Ala1195Val; replaces alanine 1195 with valine.
Molecular consequence: missense variant.
Genome position (GRCh38, 1-based): chr4:1,975,363, C>T. VCF-style: chr4-1975363-C-T. GRCh37 (hg19) VCF-style: chr4-1977090-C-T.
Other names: c.3584C>T, p.Ala1195Val (NM_001440892.1, NM_133330.3, NM_133331.3 and 1 more transcripts); c.3683C>T, p.Ala1228Val (NM_001440893.1); c.3467C>T, p.Ala1156Val (NM_001440894.1); c.3437C>T, p.Ala1146Val (NM_001440895.1); c.3383C>T, p.Ala1128Val (NM_001440896.1); c.3377C>T, p.Ala1126Val (NM_001440897.1); c.3260C>T, p.Ala1087Val (NM_001440898.1); c.2615C>T, p.Ala872Val (NM_001440899.1, NM_001440900.1); short protein forms A1087V, A1126V, A1128V, A1146V, A1156V, A1195V, A1228V, A872V.
Identifiers: ClinVar variation 4880832 (VCV004880832.2).

ClinVar aggregate classification (germline): Uncertain significance (1 of 4 stars; one submission).

Submission:

Dasa
Classification: Uncertain significance. Last evaluated: 2025-06-05. Review status: criteria provided, single submitter. Criteria: DASA Assertion Criteria. Collection method: clinical testing. Allele origin: germline.
Comment: NM_001042424.3(NSD2):c.3584C>T (p.Ala1195Val) is a missense variant that results in the substitution of alanine with valine. This variant is absent from population databases. Computational prediction algorithms are consistent with a deleterious effect. The currently available literature and clinical evidence are not sufficient to establish a definitive association between this variant and the reported condition. Therefore, this variant is classified as a variant of uncertain significance.